The following is an entry in ClinVar:

ClinVar aggregate classification (germline): Uncertain significance (1 of 4 stars; one submission).

Submission:

GeneDx
Classification: Uncertain significance. Last evaluated: 2024-07-17. Review status: criteria provided, single submitter. Criteria: GeneDx Variant Classification Process June 2021. Collection method: clinical testing. Allele origin: germline. Affected: yes.
Comment: Not observed at significant frequency in large population cohorts (gnomAD); In silico analysis indicates that this missense variant does not alter protein structure/function; Has not been previously published as pathogenic or benign to our knowledge; Variants in candidate genes are classified as variants of uncertain significance in accordance with ACMG guidelines (PMID: 25741868)

NM_019045.5(WDR44):c.391G>A (p.Glu131Lys)

Gene: WDR44 (WD repeat domain 44; plus strand). Cytogenetic location: Xq24.
Variant type: single nucleotide variant.
Coding change: c.391G>A on transcript NM_019045.5 (MANE Select); coding-DNA position 391, G replaced by A.
Protein change: p.Glu131Lys; replaces glutamic acid 131 with lysine.
Molecular consequence: missense variant.
Genome position (GRCh38, 1-based): chrX:118,392,836, G>A. VCF-style: chrX-118392836-G-A. GRCh37 (hg19) VCF-style: chrX-117526799-G-A.
Other names: c.391G>A, p.Glu131Lys (NM_001184965.2); c.316G>A, p.Glu106Lys (NM_001184966.1); short protein forms E106K, E131K.
Identifiers: ClinVar variation 3573663 (VCV003573663.1).